The following is an entry in ClinVar:

ClinVar aggregate classification (germline): Conflicting classifications of pathogenicity. Review status: criteria provided, conflicting classifications (1 of 4 stars). 4 submissions from 4 submitters: Uncertain significance (1); Benign (1); Likely benign (2). Last evaluated 2025-11-22.

Conditions:
Hereditary cancer-predisposing syndrome. Also called: Tumor predisposition; Hereditary Cancer Syndrome; Hereditary neoplastic syndrome; Neoplastic Syndromes, Hereditary. Identifiers: Orphanet 140162, MedGen C0027672, MeSH D009386, MONDO:0015356.
Renal cell carcinoma. Identifiers: Orphanet 217071, MedGen C0007134, MeSH D002292, MONDO:0005086, HP:0005584.
Papillary renal cell carcinoma type 1 (RCCP1). Also called: RENAL CELL CARCINOMA, PAPILLARY, 1, SOMATIC; Renal adenocarcinoma; Renal cell carcinoma 1; Renal cell carcinoma, somatic. Identifiers: Orphanet 47044, MedGen C1336839, OMIM 605074, HP:0011797.

Allele frequency attached by ClinVar (database versions not stated): gnomAD 0.00001; gnomAD exomes 0.00001 and 0.00002; TOPMed 0.00001; ExAC 0.00002.
gnomAD v4.1: 7 of 1,613,962 alleles (0.00043%); highest among the groups gnomAD compares: Admixed American, 0.012%; no homozygotes.

Submissions (4):

Labcorp Genetics (formerly Invitae), Labcorp
Classification: Likely benign for Renal cell carcinoma. Last evaluated: 2025-11-22. Review status: criteria provided, single submitter. Criteria: Invitae Variant Classification Sherloc (09022015). Collection method: clinical testing. Allele origin: germline.

Quest Diagnostics Nichols Institute San Juan Capistrano
Classification: Uncertain significance. Last evaluated: 2025-01-23. Review status: criteria provided, single submitter. Criteria: Quest Diagnostics criteria. Collection method: clinical testing. Allele origin: unknown.

Myriad Genetics, Inc.
Classification: Benign for Papillary renal cell carcinoma type 1. Last evaluated: 2024-11-11. Review status: criteria provided, single submitter. Criteria: Myriad Autosomal Dominant, Autosomal Recessive and X-Linked Classification Criteria (2023). Collection method: clinical testing. Allele origin: unknown.
Comment: This variant is considered benign. This variant is a silent/synonymous amino acid change and it is not expected to impact splicing.

Ambry Genetics
Classification: Likely benign for Hereditary cancer-predisposing syndrome. Last evaluated: 2017-08-12. Review status: criteria provided, single submitter. Criteria: Ambry Variant Classification Scheme 2023. Collection method: clinical testing. Allele origin: germline.

NM_000245.4(MET):c.2496T>C (p.Asp832=)

Gene: MET (MET proto-oncogene, receptor tyrosine kinase; plus strand). Cytogenetic location: 7q31.2.
Variant type: single nucleotide variant.
Coding change: c.2496T>C on transcript NM_000245.4 (MANE Select); coding-DNA position 2496, T replaced by C.
Protein change: p.Asp832=; no amino-acid change (aspartic acid 832 retained).
Molecular consequence: synonymous variant.
Genome position (GRCh38, 1-based): chr7:116,763,181, T>C. VCF-style: chr7-116763181-T-C. GRCh37 (hg19) VCF-style: chr7-116403235-T-C.
Other names: c.2550T>C, p.Asp850= (NM_001127500.3); c.2496T>C, p.Asp832= (NM_001324401.3); c.1206T>C, p.Asp402= (NM_001324402.2); c.2550T>C (NM_001127500.2).
Identifiers: ClinVar variation 485742 (VCV000485742.19), dbSNP rs769035394, ClinGen allele CA4448495.